The following is an entry in ClinVar:

ClinVar aggregate classification (germline): Uncertain significance (1 of 4 stars; one submission).

Allele frequency attached by ClinVar (database versions not stated): TOPMed below 0.00001; gnomAD 0.00001.
gnomAD v4.1: 1 of 1,611,532 alleles (0.000062%); highest among the groups gnomAD compares: South Asian, 0.0011%; no homozygotes.

Submission:

GeneDx
Classification: Uncertain significance. Last evaluated: 2022-04-15. Review status: criteria provided, single submitter. Criteria: GeneDx Variant Classification Process June 2021. Collection method: clinical testing. Allele origin: germline. Affected: yes.
Comment: Not observed at significant frequency in large population cohorts (gnomAD); In silico analysis supports that this missense variant does not alter protein structure/function; Has not been previously published as pathogenic or benign to our knowledge

NM_001170629.2(CHD8):c.5083G>A (p.Glu1695Lys)

Gene: CHD8 (chromodomain helicase DNA binding protein 8; minus strand). Cytogenetic location: 14q11.2.
Variant type: single nucleotide variant.
Coding change: c.5083G>A on transcript NM_001170629.2 (MANE Select); coding-DNA position 5083, G replaced by A.
Protein change: p.Glu1695Lys; replaces glutamic acid 1695 with lysine.
Molecular consequence: missense variant.
Genome position (GRCh38, 1-based): chr14:21,395,861, C>T on the plus strand (G>A on the coding strand, the complement: CHD8 is on the minus strand). VCF-style: chr14-21395861-C-T. GRCh37 (hg19) VCF-style: chr14-21864020-C-T.
Other names: c.4246G>A, p.Glu1416Lys (NM_020920.4); short protein forms E1416K, E1695K.
Identifiers: ClinVar variation 1710659 (VCV001710659.2), dbSNP rs1555313719, ClinGen allele CA388884949.